The following is an entry in ClinVar:

NM_000046.5(ARSB):c.1433del (p.Asp478fs)

Gene: ARSB (arylsulfatase B; minus strand). Cytogenetic location: 5q14.1.
Variant type: Deletion.
Coding change: c.1433del on transcript NM_000046.5 (MANE Select); coding-DNA position 1433, one base deleted (A; older notation c.1433delA).
Protein change: p.Asp478fs; shifts the reading frame from aspartic acid 478.
Molecular consequence: frameshift variant.
Genome position (GRCh38, 1-based): chr5:78,780,566, T deleted on the plus strand (A on the coding strand, the reverse complement: ARSB is on the minus strand). VCF-style (leftmost placement, unchanged base first): chr5-78780565-AT-A. GRCh37 (hg19) VCF-style: chr5-78076388-AT-A.
Other names: short protein forms D478fs.
Identifiers: ClinVar variation 2785521 (VCV002785521.3), dbSNP rs1188297697, ClinGen allele CA814256004.

ClinVar aggregate classification (germline): Pathogenic (1 of 4 stars; one submission).

Conditions:
Mucopolysaccharidosis type 6 (MPS6). Also called: MPS 6; Maroteaux Lamy syndrome; ARSB DEFICIENCY; ARYLSULFATASE B DEFICIENCY; N-ACETYLGALACTOSAMINE-4-SULFATASE DEFICIENCY; MPS VI. Identifiers: Orphanet 583, MedGen C0026709, MONDO:0009661, OMIM 253200.

Allele frequency attached by ClinVar (database versions not stated): gnomAD exomes below 0.00001; gnomAD 0.00001; TOPMed 0.00002.

Submission:

Labcorp Genetics (formerly Invitae), Labcorp
Classification: Pathogenic for Mucopolysaccharidosis type 6. Last evaluated: 2023-11-07. Review status: criteria provided, single submitter. Criteria: Invitae Variant Classification Sherloc (09022015). Collection method: clinical testing. Allele origin: germline.
Comment: This sequence change results in a frameshift in the ARSB gene (p.Asp478Valfs*96). While this is not anticipated to result in nonsense mediated decay, it is expected to disrupt the last 56 amino acid(s) of the ARSB protein and extend the protein by 39 additional amino acid residues. This variant is not present in population databases (gnomAD no frequency). This variant has not been reported in the literature in individuals affected with ARSB-related conditions. This variant disrupts a region of the ARSB protein in which other variant(s) (p.Pro481Leu) have been determined to be pathogenic (PMID: 15979036). This suggests that this is a clinically significant region of the protein, and that variants that disrupt it are likely to be disease-causing. For these reasons, this variant has been classified as Pathogenic.

Literature cited by the submitters: PubMed 15979036.